The following is an entry in ClinVar:

NM_001079802.2(FKTN):c.668C>T (p.Thr223Ile)

Gene: FKTN (fukutin; plus strand). Cytogenetic location: 9q31.2.
Variant type: single nucleotide variant.
Coding change: c.668C>T on transcript NM_001079802.2 (MANE Select); coding-DNA position 668, C replaced by T.
Protein change: p.Thr223Ile; replaces threonine 223 with isoleucine.
Molecular consequence: missense variant. On other transcripts: non-coding transcript variant (2).
Genome position (GRCh38, 1-based): chr9:105,607,839, C>T. VCF-style: chr9-105607839-C-T. GRCh37 (hg19) VCF-style: chr9-108370120-C-T.
Other names: p.T223I:ACT>ATT; c.668C>T, p.Thr223Ile (NM_001198963.2, NM_001351496.2, NM_001351498.2 and 1 more transcripts); c.599C>T, p.Thr200Ile (NM_001351497.2); c.272C>T, p.Thr91Ile (NM_001351499.2, NM_001351500.2, NM_001351501.2 and 1 more transcripts); short protein forms T223I, T91I, T200I.
Identifiers: ClinVar variation 162568 (VCV000162568.34), dbSNP rs116105846, ClinGen allele CA295361.
Genomic context (GRCh38, chr9:105,607,839, plus strand): 5'-CCCCCACCCCTCATTAATAAATCTTAACTTTTGTTTTCAGGCCAGAGTTACAGCAAGTTA[C>T]TGTTGATGGACTGGAAGTTCTCATTCCAAAGGATCCAATGCACTTTGTAGAAGAAGTACC-3'
Protein context (NP_001073270.1, residues 213-233): AFDRPELQQV[Thr223Ile]VDGLEVLIPK

ClinVar aggregate classification (germline): Benign/Likely benign. Review status: criteria provided, multiple submitters, no conflicts (2 of 4 stars). 12 submissions from 12 submitters: Benign (4); Likely benign (7). 1 of the submissions does not count toward it. Last evaluated 2026-01-27.

Conditions:
Walker-Warburg congenital muscular dystrophy. Also called: Muscular dystrophy-dystroglycanopathy, type A; Walker-Warburg syndrome. Identifiers: Orphanet 899, MedGen C0265221, MONDO:0000171.
Cardiovascular phenotype. Identifiers: MedGen CN230736.
FKTN-related disorder. Also called: FKTN-related condition; FKTN-related disorders.

Allele frequency attached by ClinVar (database versions not stated): 1000 Genomes Project 30x 0.00515; gnomAD exomes 0.00019 and 0.00068; ExAC 0.00078; gnomAD 0.00213 and 0.00224; ESP Exome Variant Server 0.00231; TOPMed 0.00233; 1000 Genomes Project 0.00419.
gnomAD v4.1: 614 of 1,612,272 alleles (0.038%); highest among the groups gnomAD compares: African/African-American, 0.72%; 2 homozygotes.

Submissions (12):

Labcorp Genetics (formerly Invitae), Labcorp
Classification: Benign for Walker-Warburg congenital muscular dystrophy. Last evaluated: 2026-01-27. Review status: criteria provided, single submitter. Criteria: Invitae Variant Classification Sherloc (09022015). Collection method: clinical testing. Allele origin: germline.

Mayo Clinic Laboratories, Mayo Clinic
Classification: Likely benign. Last evaluated: 2025-05-01. Review status: criteria provided, single submitter. Criteria: ACMG Guidelines, 2015. Collection method: clinical testing. Allele origin: germline. Observed: 6 variant alleles.
Comment: BS1, BP4

Athena Diagnostics
Classification: Likely benign. Last evaluated: 2025-04-29. Review status: criteria provided, single submitter. Criteria: Athena Diagnostics Criteria. Collection method: clinical testing. Allele origin: unknown.
Comment: The frequency of this variant in the general population is higher than would generally be expected for pathogenic variants in this gene. Computational tools predict this amino acid change may be benign.

Molecular Diagnostic Laboratory for Inherited Cardiovascular Disease, Montreal Heart Institute
Classification: Likely benign. Last evaluated: 2025-04-09. Review status: criteria provided, single submitter. Criteria: ACMG Guidelines, 2015. Collection method: clinical testing. Allele origin: germline. Affected: no.

Blueprint Genetics
Classification: Likely benign. Last evaluated: 2024-11-13. Review status: criteria provided, single submitter. Criteria: ACMG Guidelines, 2015. Collection method: clinical testing. Allele origin: germline.

Women's Health and Genetics/Laboratory Corporation of America, LabCorp
Classification: Benign. Last evaluated: 2021-11-15. Review status: criteria provided, single submitter. Criteria: LabCorp Variant Classification Summary - May 2015. Collection method: clinical testing. Allele origin: germline.
Comment: Variant summary: FKTN c.668C>T (p.Thr223Ile) results in a non-conservative amino acid change in the encoded protein sequence. Three of five in-silico tools predict a damaging effect of the variant on protein function. The variant allele was found at a frequency of 0.00068 in 251290 control chromosomes, predominantly at a frequency of 0.0086 within the African or African-American subpopulation in the gnomAD database, including 1 homozygote. The observed variant frequency within African or African-American control individuals in the gnomAD database is approximately 2.2 fold of the estimated maximal expected allele frequency for a pathogenic variant in FKTN causing Dilated Cardiomyopathy phenotype (0.004), strongly suggesting that the variant is a benign polymorphism found primarily in populations of African or African-American origin. c.668C>T has been reported in the literature as a VUS in an individual affected with sick sinus syndrome (example, Celestino-Soper_2015). These report(s) do not provide unequivocal conclusions about association of the variant with Dilated Cardiomyopathy. At-least one co-occurrence with another pathogenic variant has been observed at our laboratory (MYBPC3 c.3330+5G>C), providing supporting evidence for a benign role. To our knowledge, no experimental evidence demonstrating an impact on protein function has been reported. Six clinical diagnostic laboratories have submitted clinical-significance assessments for this variant to ClinVar after 2014 without evidence for independent evaluation. All laboratories classified the variant as benign/likely benign. Based on the evidence outlined above, the variant was classified as benign.

Ambry Genetics
Classification: Likely benign for Cardiovascular phenotype. Last evaluated: 2019-02-20. Review status: criteria provided, single submitter. Criteria: Ambry Variant Classification Scheme 2023. Collection method: clinical testing. Allele origin: germline.

GeneDx
Classification: Benign. Last evaluated: 2016-07-13. Review status: criteria provided, single submitter. Criteria: GeneDx Variant Classification (06012015). Collection method: clinical testing. Allele origin: germline. Affected: yes.
Comment: This variant is considered likely benign or benign based on one or more of the following criteria: it is a conservative change, it occurs at a poorly conserved position in the protein, it is predicted to be benign by multiple in silico algorithms, and/or has population frequency not consistent with disease.

Genetic Services Laboratory, University of Chicago
Classification: Likely benign. Last evaluated: 2016-05-17. Review status: criteria provided, single submitter. Criteria: ACMG Guidelines, 2015. Collection method: clinical testing. Allele origin: germline. Affected: no.

Eurofins Ntd Llc (ga)
Classification: Benign. Last evaluated: 2015-11-12. Review status: criteria provided, single submitter. Criteria: EGL Classification Definitions 2015. Collection method: clinical testing. Allele origin: germline. Observed: 1 variant allele, 1 heterozygote.

Breakthrough Genomics
Classification: Likely benign. Review status: criteria provided, single submitter. Criteria: ACMG Guidelines, 2015. Collection method: not provided. Allele origin: germline. Inheritance: Autosomal recessive inheritance. Affected: yes.

PreventionGenetics, part of Exact Sciences
Classification: Likely benign for FKTN-related condition. Last evaluated: 2019-06-11. Review status: no assertion criteria provided. Collection method: clinical testing. Allele origin: germline. Not counted in ClinVar's aggregate classification.
Comment: This variant is classified as likely benign based on ACMG/AMP sequence variant interpretation guidelines (Richards et al. 2015 PMID: 25741868, with internal and published modifications).

Literature cited by the submitters: PubMed 26636822 (cited by Athena Diagnostics and Women's Health and Genetics/Laboratory Corporation of America, LabCorp).